The following is an entry in ClinVar:

NM_000238.4(KCNH2):c.724C>G (p.Arg242Gly)

Gene: KCNH2 (potassium voltage-gated channel subfamily H member 2; minus strand). Cytogenetic location: 7q36.1.
Variant type: single nucleotide variant.
Coding change: c.724C>G on transcript NM_000238.4 (MANE Select); coding-DNA position 724, C replaced by G.
Protein change: p.Arg242Gly; replaces arginine 242 with glycine.
Molecular consequence: missense variant.
Genome position (GRCh38, 1-based): chr7:150,958,251, G>C on the plus strand (C>G on the coding strand, the complement: KCNH2 is on the minus strand). VCF-style: chr7-150958251-G-C. GRCh37 (hg19) VCF-style: chr7-150655339-G-C.
Other names: c.724C>G (LRG_288t1); c.436C>G, p.Arg146Gly (NM_001406753.1, NM_001406756.1); c.547C>G, p.Arg183Gly (NM_001406755.1); c.424C>G, p.Arg142Gly (NM_001406757.1); c.724C>G, p.Arg242Gly (NM_172056.3); short protein forms R242G, R142G, R183G, R146G.
Identifiers: ClinVar variation 67521 (VCV000067521.16), dbSNP rs199472872, ClinGen allele CA008718.

ClinVar aggregate classification (germline): Uncertain significance. Review status: criteria provided, multiple submitters, no conflicts (2 of 4 stars). 4 submissions from 4 submitters: Uncertain significance (3). 1 of the submissions does not count toward it. Last evaluated 2025-08-01.

Conditions:
Familial long QT syndrome (RWS). Also called: Congenital long QT syndrome; Romano-Ward syndrome; VENTRICULAR FIBRILLATION WITH PROLONGED QT INTERVAL. Identifiers: Orphanet 768, MedGen C1141890, MONDO:0019171.
Long QT syndrome (LQTS). Identifiers: MedGen C0023976, MeSH D008133, MONDO:0002442. Disease mechanism: loss of function. Inheritance: Various modes of inheritance.
Short QT syndrome type 1. Identifiers: Orphanet 51083, MedGen C1865020, MONDO:0012312, OMIM 609620.
Long QT syndrome 2 (LQT2). Identifiers: Orphanet 101016, Orphanet 768, MedGen C3150943, MONDO:0013367, OMIM 613688.

gnomAD v4.1: 1 of 1,415,276 alleles (0.000071%); highest among the groups gnomAD compares: Non-Finnish European, 0.000092%; no homozygotes.

Submissions (4):

CeGaT Center for Human Genetics Tuebingen
Classification: Uncertain significance. Last evaluated: 2025-08-01. Review status: criteria provided, single submitter. Criteria: CeGaT Center For Human Genetics Tuebingen Variant Classification Criteria Version 2. Collection method: clinical testing. Allele origin: germline. Affected: yes. Observed: 1 variant allele.
Comment: KCNH2: PM2

Fulgent Genetics
Classification: Uncertain significance for Short QT syndrome type 1; Long QT syndrome 2. Last evaluated: 2022-02-18. Review status: criteria provided, single submitter. Criteria: ACMG Guidelines, 2015. Collection method: clinical testing. Allele origin: unknown.

Labcorp Genetics (formerly Invitae), Labcorp
Classification: Uncertain significance for Long QT syndrome. Last evaluated: 2020-11-17. Review status: criteria provided, single submitter. Criteria: Invitae Variant Classification Sherloc (09022015). Collection method: clinical testing. Allele origin: germline.
Comment: This sequence change replaces arginine with glycine at codon 242 of the KCNH2 protein (p.Arg242Gly). The arginine residue is weakly conserved and there is a moderate physicochemical difference between arginine and glycine. The frequency data for this variant in the population databases is considered unreliable, as metrics indicate insufficient coverage at this position in the ExAC database. This variant has been observed in individual(s) with long QT syndrome (PMID: 19716085). ClinVar contains an entry for this variant (Variation ID: 67521). Algorithms developed to predict the effect of missense changes on protein structure and function (SIFT, PolyPhen-2, Align-GVGD) all suggest that this variant is likely to be tolerated, but these predictions have not been confirmed by published functional studies and their clinical significance is uncertain. In summary, the available evidence is currently insufficient to determine the role of this variant in disease. Therefore, it has been classified as a Variant of Uncertain Significance.

Cardiovascular Biomedical Research Unit, Royal Brompton & Harefield NHS Foundation Trust
No classification provided. Condition: Familial long QT syndrome. Review status: no classification provided. Collection method: literature only. Allele origin: germline. Not counted in ClinVar's aggregate classification.
Comment: This variant has been reported as associated with Long QT syndrome in the following publications (PMID:19716085). This is a literature report, and does not necessarily reflect the clinical interpretation of the Imperial College / Royal Brompton Cardiovascular Genetics laboratory.

Literature cited by the submitters: PubMed 19716085 (cited by Labcorp Genetics (formerly Invitae), Labcorp and Cardiovascular Biomedical Research Unit, Royal Brompton & Harefield NHS Foundation Trust); PubMed 22581653 (cited by Cardiovascular Biomedical Research Unit, Royal Brompton & Harefield NHS Foundation Trust).